The following is an entry in ClinVar:

ClinVar aggregate classification (germline): Uncertain significance (1 of 4 stars; one submission).

gnomAD v4.1: 1 of 1,610,162 alleles (0.000062%); highest among the groups gnomAD compares: Non-Finnish European, 0.000085%; no homozygotes.

Submission:

Labcorp Genetics (formerly Invitae), Labcorp
Classification: Uncertain significance. Last evaluated: 2025-03-16. Review status: criteria provided, single submitter. Criteria: Invitae Variant Classification Sherloc (09022015). Collection method: clinical testing. Allele origin: germline.
Comment: This sequence change replaces threonine, which is neutral and polar, with serine, which is neutral and polar, at codon 653 of the CDH2 protein (p.Thr653Ser). This variant is not present in population databases (gnomAD no frequency). This variant has not been reported in the literature in individuals affected with CDH2-related conditions. An algorithm developed to predict the effect of missense changes on protein structure and function (PolyPhen-2) suggests that this variant is likely to be tolerated. In summary, the available evidence is currently insufficient to determine the role of this variant in disease. Therefore, it has been classified as a Variant of Uncertain Significance.

NM_001792.5(CDH2):c.1957A>T (p.Thr653Ser)

Gene: CDH2 (cadherin 2; minus strand). Cytogenetic location: 18q12.1.
Variant type: single nucleotide variant.
Coding change: c.1957A>T on transcript NM_001792.5 (MANE Select); coding-DNA position 1957, A replaced by T.
Protein change: p.Thr653Ser; replaces threonine 653 with serine.
Molecular consequence: missense variant.
Genome position (GRCh38, 1-based): chr18:27,985,546, T>A on the plus strand (A>T on the coding strand, the complement: CDH2 is on the minus strand). VCF-style: chr18-27985546-T-A. GRCh37 (hg19) VCF-style: chr18-25565510-T-A.
Other names: c.1864A>T, p.Thr622Ser (NM_001308176.2); short protein forms T622S, T653S.
Identifiers: ClinVar variation 4750723 (VCV004750723.1).